The following is an entry in ClinVar:

NM_001290060.2(SEMA3B):c.442C>T (p.Arg148Trp)

Gene: SEMA3B (semaphorin 3B; plus strand). Cytogenetic location: 3p21.31.
Variant type: single nucleotide variant.
Coding change: c.442C>T on transcript NM_001290060.2 (MANE Select); coding-DNA position 442, C replaced by T.
Protein change: p.Arg148Trp; replaces arginine 148 with tryptophan.
Molecular consequence: missense variant.
Genome position (GRCh38, 1-based): chr3:50,271,001, C>T. VCF-style: chr3-50271001-C-T. GRCh37 (hg19) VCF-style: chr3-50308432-C-T.
Other names: c.442C>T, p.Arg148Trp (NM_001005914.3, NM_001290061.1, NM_004636.4); short protein forms R148W.
Identifiers: ClinVar variation 2634726 (VCV002634726.2), dbSNP rs782229010, ClinGen allele CA2413750.

ClinVar aggregate classification (germline): Uncertain significance (1 of 4 stars; one submission).

Conditions:
SEMA3B-related disorder. Also called: SEMA3B-related condition.

Allele frequency attached by ClinVar (database versions not stated): gnomAD 0.00008; TOPMed 0.00011.

Submission:

PreventionGenetics, part of Exact Sciences
Classification: Uncertain significance for SEMA3B-related condition. Last evaluated: 2026-07-17. Review status: criteria provided, single submitter. Criteria: ACMG Guidelines, 2015. Collection method: clinical testing. Allele origin: germline.
Comment: The SEMA3B c.442C>T variant is predicted to result in the amino acid substitution p.Arg148Trp. To our knowledge, this variant has not been reported in the literature. This variant is reported in 0.0085% of alleles in individuals of European (Non-Finnish) descent in gnomAD. At this time, the clinical significance of this variant is uncertain due to the absence of conclusive functional and genetic evidence.